The following is an entry in ClinVar:

ClinVar aggregate classification (germline): Uncertain significance. Review status: criteria provided, multiple submitters, no conflicts (2 of 4 stars). 3 submissions from 3 submitters: Uncertain significance (3). Last evaluated 2024-07-28.

Conditions:
Hereditary cancer-predisposing syndrome. Also called: Neoplastic Syndromes, Hereditary; Tumor predisposition; Hereditary Cancer Syndrome; Hereditary neoplastic syndrome. Identifiers: Orphanet 140162, MedGen C0027672, MeSH D009386, MONDO:0015356.
Familial cancer of breast. Also called: BREAST CANCER, FAMILIAL; Hereditary breast cancer; hereditary breast carcinoma. Identifiers: Orphanet 227535, MedGen C0346153, MONDO:0016419, OMIM 114480. Disease mechanism: loss of function.

Submissions (3):

Ambry Genetics
Classification: Uncertain significance for Hereditary cancer-predisposing syndrome. Last evaluated: 2024-07-28. Review status: criteria provided, single submitter. Criteria: Ambry Variant Classification Scheme 2023. Collection method: clinical testing. Allele origin: germline.
Comment: The p.K550E variant (also known as c.1648A>G), located in coding exon 4 of the PALB2 gene, results from an A to G substitution at nucleotide position 1648. The lysine at codon 550 is replaced by glutamic acid, an amino acid with similar properties. This amino acid position is not well conserved in available vertebrate species. In addition, this alteration is predicted to be tolerated by in silico analysis. Since supporting evidence is limited at this time, the clinical significance of this alteration remains unclear.

Baylor Genetics
Classification: Uncertain significance for Familial cancer of breast. Last evaluated: 2023-08-05. Review status: criteria provided, single submitter. Criteria: ACMG Guidelines, 2015. Collection method: clinical testing. Allele origin: unknown.

Labcorp Genetics (formerly Invitae), Labcorp
Classification: Uncertain significance for Familial cancer of breast. Last evaluated: 2019-12-04. Review status: criteria provided, single submitter. Criteria: Invitae Variant Classification Sherloc (09022015). Collection method: clinical testing. Allele origin: germline.
Comment: In summary, the available evidence is currently insufficient to determine the role of this variant in disease. Therefore, it has been classified as a Variant of Uncertain Significance. Algorithms developed to predict the effect of missense changes on protein structure and function output the following: SIFT: "Tolerated"; PolyPhen-2: "Benign"; Align-GVGD: "Class C0". The glutamic acid amino acid residue is found in multiple mammalian species, suggesting that this missense change does not adversely affect protein function. These predictions have not been confirmed by published functional studies and their clinical significance is uncertain. This variant has not been reported in the literature in individuals with PALB2-related conditions. ClinVar contains an entry for this variant (Variation ID: 484245). This variant is not present in population databases (ExAC no frequency). This sequence change replaces lysine with glutamic acid at codon 550 of the PALB2 protein (p.Lys550Glu). The lysine residue is moderately conserved and there is a small physicochemical difference between lysine and glutamic acid.

NM_024675.4(PALB2):c.1648A>G (p.Lys550Glu)

Gene: PALB2 (partner and localizer of BRCA2; minus strand). Cytogenetic location: 16p12.2.
Variant type: single nucleotide variant.
Coding change: c.1648A>G on transcript NM_024675.4 (MANE Select); coding-DNA position 1648, A replaced by G.
Protein change: p.Lys550Glu; replaces lysine 550 with glutamic acid.
Molecular consequence: missense variant.
Genome position (GRCh38, 1-based): chr16:23,634,898, T>C on the plus strand (A>G on the coding strand, the complement: PALB2 is on the minus strand). VCF-style: chr16-23634898-T-C. GRCh37 (hg19) VCF-style: chr16-23646219-T-C.
Other names: short protein forms K550E.
Identifiers: ClinVar variation 484245 (VCV000484245.18), dbSNP rs1555461178, ClinGen allele CA395130134.